The following is an entry in ClinVar:

NM_020433.5(JPH2):c.236G>C (p.Arg79Pro)

Gene: JPH2 (junctophilin 2; minus strand). Cytogenetic location: 20q13.12.
Variant type: single nucleotide variant.
Coding change: c.236G>C on transcript NM_020433.5 (MANE Select); coding-DNA position 236, G replaced by C.
Protein change: p.Arg79Pro; replaces arginine 79 with proline.
Molecular consequence: missense variant.
Genome position (GRCh38, 1-based): chr20:44,186,470, C>G on the plus strand (G>C on the coding strand, the complement: JPH2 is on the minus strand). VCF-style: chr20-44186470-C-G. GRCh37 (hg19) VCF-style: chr20-42815110-C-G.
Other names: p.Arg79Pro; c.236G>C, p.Arg79Pro (NM_175913.4); short protein forms R79P.
Identifiers: ClinVar variation 2683544 (VCV002683544.4), dbSNP rs767968907, ClinGen allele CA9868907.
Genomic context (GRCh38, chr20:44,186,470, plus strand): 5'-CTCTGCCGGATTCCGTAGCGTCCCTTGAAGCCATGTGTCCACTCGCCCTTGTAGAGCCAG[C>G]GCCCCTTGGTCTCTATGCCCAGCCCATGCCGTTTGCCCTGGCTCCAGTATCCCTCAAAGG-3'
Protein context (NP_065166.2, residues 69-89): RHGLGIETKG[Arg79Pro]WLYKGEWTHG

ClinVar aggregate classification (germline): Uncertain significance. Review status: criteria provided, multiple submitters, no conflicts (2 of 4 stars). 4 submissions from 4 submitters: Uncertain significance (4). Last evaluated 2026-02-10.

Conditions:
Hypertrophic cardiomyopathy. Also called: HYPERTROPHIC MYOCARDIOPATHY. Identifiers: Orphanet 217569, MedGen C0007194, MeSH D002312, MONDO:0005045, HP:0001639.

Allele frequency attached by ClinVar (database versions not stated): ExAC 0.00001; gnomAD 0.00001.
gnomAD v4.1: 3 of 1,614,018 alleles (0.00019%); highest among the groups gnomAD compares: Admixed American, 0.0033%; no homozygotes.

Submissions (4):

GeneDx
Classification: Uncertain significance. Last evaluated: 2026-02-10. Review status: criteria provided, single submitter. Criteria: GeneDx Variant Classification Process June 2021. Collection method: clinical testing. Allele origin: germline.
Comment: Has not been previously published as pathogenic or benign to our knowledge; Not observed at significant frequency in large population cohorts (gnomAD); In silico analysis supports that this missense variant has a deleterious effect on protein structure/function

Labcorp Genetics (formerly Invitae), Labcorp
Classification: Uncertain significance for Hypertrophic cardiomyopathy. Last evaluated: 2025-12-31. Review status: criteria provided, single submitter. Criteria: Invitae Variant Classification Sherloc (09022015). Collection method: clinical testing. Allele origin: germline.
Comment: This sequence change replaces arginine, which is basic and polar, with proline, which is neutral and non-polar, at codon 79 of the JPH2 protein (p.Arg79Pro). This variant is present in population databases (rs767968907, gnomAD 0.006%). This variant has not been reported in the literature in individuals affected with JPH2-related conditions. ClinVar contains an entry for this variant (Variation ID: 2683544). An algorithm developed to predict the effect of missense changes on protein structure and function (PolyPhen-2) suggests that this variant is likely to be disruptive. In summary, the available evidence is currently insufficient to determine the role of this variant in disease. Therefore, it has been classified as a Variant of Uncertain Significance.

Mayo Clinic Laboratories, Mayo Clinic
Classification: Uncertain significance. Last evaluated: 2023-05-05. Review status: criteria provided, single submitter. Criteria: ACMG Guidelines, 2015. Collection method: clinical testing. Allele origin: germline. Observed: 1 variant allele.
Comment: BP4

Blueprint Genetics
Classification: Uncertain significance. Last evaluated: 2019-07-03. Review status: criteria provided, single submitter. Criteria: ACMG Guidelines, 2015. Collection method: clinical testing. Allele origin: germline.